The following is an entry in ClinVar:

NM_001367624.2(ZNF469):c.1255A>C (p.Ser419Arg)

Gene: ZNF469 (zinc finger protein 469; plus strand). Cytogenetic location: 16q24.2.
Variant type: single nucleotide variant.
Coding change: c.1255A>C on transcript NM_001367624.2 (MANE Select); coding-DNA position 1255, A replaced by C.
Protein change: p.Ser419Arg; replaces serine 419 with arginine.
Molecular consequence: missense variant.
Genome position (GRCh38, 1-based): chr16:88,428,725, A>C. VCF-style: chr16-88428725-A-C. GRCh37 (hg19) VCF-style: chr16-88495133-A-C.
Other names: NM_001127464.1:c.1255A>C; short protein forms S419R.
Identifiers: ClinVar variation 2446266 (VCV002446266.1), dbSNP rs2507574242, ClinGen allele CA397064055.
Genomic context (GRCh38, chr16:88,428,725, plus strand): 5'-AGCTCCCTACCCCAGAGGCACTTTCCAGGGCAGGCGTACAGAGCCAGTGGGGTGGACACC[A>C]GCCCGGGGCCTCCGGACACCGAGCTGGCCGCCCCAGGGCCCCCACCCGCCAGGCTGCCCC-3'
Protein context (NP_001354553.1, residues 409-429): QAYRASGVDT[Ser419Arg]PGPPDTELAA

ClinVar aggregate classification (germline): Uncertain significance (1 of 4 stars; one submission).

Submission:

GeneDx
Classification: Uncertain significance. Last evaluated: 2022-09-23. Review status: criteria provided, single submitter. Criteria: GeneDx Variant Classification Process June 2021. Collection method: clinical testing. Allele origin: germline. Affected: yes.
Comment: Not observed at significant frequency in large population cohorts (gnomAD); In silico analysis supports that this missense variant does not alter protein structure/function; Has not been previously published as pathogenic or benign to our knowledge